The following is an entry in ClinVar:

NM_000492.4(CFTR):c.2T>G (p.Met1Arg)

Gene: CFTR (CF transmembrane conductance regulator; plus strand). Cytogenetic location: 7q31.2.
Variant type: single nucleotide variant.
Coding change: c.2T>G on transcript NM_000492.4 (MANE Select); coding-DNA position 2, T replaced by G.
Protein change: p.Met1Arg; changes the start codon (methionine 1).
Molecular consequence: missense variant, initiator codon variant.
Genome position (GRCh38, 1-based): chr7:117,480,096, T>G. VCF-style: chr7-117480096-T-G. GRCh37 (hg19) VCF-style: chr7-117120150-T-G.
Other names: c.2T>G (NM_000492.3); short protein forms M1R.
Identifiers: ClinVar variation 618930 (VCV000618930.4), dbSNP rs397508476, ClinGen allele CA368981126.

ClinVar aggregate classification (germline): Pathogenic/Likely pathogenic. Review status: criteria provided, multiple submitters, no conflicts (2 of 4 stars). 2 submissions from 2 submitters: Pathogenic (1); Likely pathogenic (1). Last evaluated 2025-08-07.

Conditions:
Cystic fibrosis (CF). Also called: MUCOVISCIDOSIS. Identifiers: Orphanet 586, MedGen C0010674, MONDO:0009061, OMIM 219700. Disease mechanism: loss of function.
CFTR-related disorder (CFTR-RD). Also called: CFTR-related disorders; CFTR-related condition. Identifiers: MedGen C5924204, MONDO:7770004.

Submissions (2):

Natera, Inc.
Classification: Likely pathogenic for CFTR-related disorders. Last evaluated: 2025-08-07. Review status: criteria provided, single submitter. Criteria: Natera Variant Classification Schema (03/2026). Collection method: clinical testing. Allele origin: germline.
Comment: The c.2T>G variant in CFTR is predicted to result in start loss due to disruption of the initiator methionine. This variant is expected to result in nonsense mediated decay, truncation, or a dysfunctional protein product. This variant is rare in the general population with a frequency below the threshold expected for the associated phenotype(s). Given the available evidence, this variant is classified as Likely Pathogenic.

Mendelics
Classification: Pathogenic for Cystic fibrosis. Last evaluated: 2018-11-05. Review status: criteria provided, single submitter. Criteria: Mendelics Assertion Criteria 2017. Collection method: clinical testing. Allele origin: unknown. Affected: yes.